The following is an entry in ClinVar:

NM_001126108.2(SLC12A3):c.426del (p.Val142_Met143insTer)

Gene: SLC12A3 (solute carrier family 12 member 3; plus strand). Cytogenetic location: 16q13.
Variant type: Deletion.
Coding change: c.426del on transcript NM_001126108.2 (MANE Select); coding-DNA position 426, one base deleted (G; older notation c.426delG).
Protein change: p.Val142_Met143insTer.
Molecular consequence: frameshift variant. On other transcripts: nonsense (1).
Genome position (GRCh38, 1-based): chr16:56,867,213, G deleted. VCF-style (leftmost placement, unchanged base first): chr16-56867212-TG-T. GRCh37 (hg19) VCF-style: chr16-56901124-TG-T.
Other names: c.426del, p.Val142_Met143insTer (NM_000339.3); c.423del, p.Val141_Met142insTer (NM_001126107.2); c.423delG, p.Met142Terfs (NM_001410896.1).
Identifiers: ClinVar variation 2433361 (VCV002433361.5), dbSNP rs2543473321, ClinGen allele CA2580091670.
Genomic context (GRCh38, chr16:56,867,212, plus strand): 5'-CAGGCACCAGCAGCGAGAAGAACCCCGAGGAGCCAGTGCGCTTCGGCTGGGTCAAGGGGG[TG>T]ATGGTGAGTGGGGTGTGGGTGGTGCGTGATGTCCAGAAATGGGGGTGGGGTGGCAGAGCT-3'

ClinVar aggregate classification (germline): Pathogenic/Likely pathogenic. Review status: criteria provided, multiple submitters, no conflicts (2 of 4 stars). 3 submissions from 3 submitters: Pathogenic (1); Likely pathogenic (2). Last evaluated 2026-03-12.

Conditions:
Familial hypokalemia-hypomagnesemia (GTLMNS). Also called: gitelman syndrome; HYPOMAGNESEMIA-HYPOKALEMIA, PRIMARY RENOTUBULAR, WITH HYPOCALCIURIA; POTASSIUM AND MAGNESIUM DEPLETION. Identifiers: Orphanet 358, MedGen C0268450, MONDO:0009904, OMIM 263800.

Submissions (3):

MVZ Medizinische Genetik Mainz
Classification: Pathogenic for Familial hypokalemia-hypomagnesemia. Last evaluated: 2026-03-12. Review status: criteria provided, single submitter. Criteria: UK Practice Guidelines For Variant Classification V4 01 2020. Collection method: clinical testing. Allele origin: germline. Inheritance: Autosomal recessive inheritance. Affected: yes. Observed: 1 variant allele.
Comment: ACMG Criteria: PVS1,PM2_SUP,PM3_SUP,PP4

Clinical Genetics Laboratory, Skane University Hospital Lund
Classification: Likely pathogenic. Last evaluated: 2024-01-15. Review status: criteria provided, single submitter. Criteria: ACMG Guidelines, 2015. Collection method: clinical testing. Allele origin: germline. Affected: yes.

Revvity Omics, Revvity
Classification: Likely pathogenic for Familial hypokalemia-hypomagnesemia. Last evaluated: 2022-01-10. Review status: criteria provided, single submitter. Criteria: ACMG Guidelines, 2015. Collection method: clinical testing. Allele origin: germline.